The following is an entry in ClinVar:

ClinVar aggregate classification (germline): Uncertain significance (1 of 4 stars; one submission).

gnomAD v4.1: 3 of 1,581,458 alleles (0.00019%); highest among the groups gnomAD compares: Non-Finnish European, 0.00026%; no homozygotes.

Submission:

Labcorp Genetics (formerly Invitae), Labcorp
Classification: Uncertain significance. Last evaluated: 2024-12-24. Review status: criteria provided, single submitter. Criteria: Invitae Variant Classification Sherloc (09022015). Collection method: clinical testing. Allele origin: germline.
Comment: This sequence change replaces histidine, which is basic and polar, with tyrosine, which is neutral and polar, at codon 438 of the SEPT9 protein (p.His438Tyr). The frequency data for this variant in the population databases is considered unreliable, as metrics indicate poor data quality at this position in the gnomAD database. This variant has not been reported in the literature in individuals affected with SEPT9-related conditions. Invitae Evidence Modeling of protein sequence and biophysical properties (such as structural, functional, and spatial information, amino acid conservation, physicochemical variation, residue mobility, and thermodynamic stability) indicates that this missense variant is not expected to disrupt SEPT9 protein function with a negative predictive value of 80%. In summary, the available evidence is currently insufficient to determine the role of this variant in disease. Therefore, it has been classified as a Variant of Uncertain Significance.

NM_001113491.2(SEPTIN9):c.1366C>T (p.His456Tyr)

Gene: SEPTIN9 (septin 9; plus strand). Cytogenetic location: 17q25.3.
Variant type: single nucleotide variant.
Coding change: c.1366C>T on transcript NM_001113491.2 (MANE Select); coding-DNA position 1366, C replaced by T.
Protein change: p.His456Tyr; replaces histidine 456 with tyrosine.
Molecular consequence: missense variant.
Genome position (GRCh38, 1-based): chr17:77,490,845, C>T. VCF-style: chr17-77490845-C-T. GRCh37 (hg19) VCF-style: chr17-75486927-C-T.
Other names: c.874C>T, p.His292Tyr (NM_001113492.2, NM_001113494.1); c.1345C>T, p.His449Tyr (NM_001113493.2); c.613C>T, p.His205Tyr (NM_001113495.2, NM_001113496.2, NM_001293697.2 and 1 more transcripts); c.1309C>T, p.His437Tyr (NM_001293695.2); c.694C>T, p.His232Tyr (NM_001293696.2); c.1312C>T, p.His438Tyr (NM_006640.5); short protein forms H232Y, H437Y, H205Y, H449Y, H456Y, H292Y, H438Y.
Identifiers: ClinVar variation 3700009 (VCV003700009.2).
Genomic context (GRCh38, chr17:77,490,845, plus strand): 5'-GTGGTCAACATCGTCCCTGTCATCGCCAAGGCGGACACACTCACCCTGGAGGAGAGGGTC[C>T]ACTTCAAACAGCGGGTAGGGTTCCATCTCTACTTGCCCCAGCCCTTCTGTGCAACCTGGA-3'
Protein context (NP_001106963.1, residues 446-466): ADTLTLEERV[His456Tyr]FKQRITADLL